The following is an entry in ClinVar:

ClinVar aggregate classification (germline): Uncertain significance (1 of 4 stars; one submission).

Conditions:
Long QT syndrome (LQTS). Identifiers: MedGen C0023976, MeSH D008133, MONDO:0002442. Disease mechanism: loss of function. Inheritance: Various modes of inheritance.

Submission:

Labcorp Genetics (formerly Invitae), Labcorp
Classification: Uncertain significance for Long QT syndrome. Last evaluated: 2023-07-04. Review status: criteria provided, single submitter. Criteria: Invitae Variant Classification Sherloc (09022015). Collection method: clinical testing. Allele origin: germline.
Comment: This sequence change replaces phenylalanine, which is neutral and non-polar, with isoleucine, which is neutral and non-polar, at codon 294 of the AKAP9 protein (p.Phe294Ile). This variant is not present in population databases (gnomAD no frequency). This variant has not been reported in the literature in individuals affected with AKAP9-related conditions. An algorithm developed to predict the effect of missense changes on protein structure and function (PolyPhen-2) suggests that this variant is likely to be disruptive. In summary, the available evidence is currently insufficient to determine the role of this variant in disease. Therefore, it has been classified as a Variant of Uncertain Significance.

NM_005751.5(AKAP9):c.880T>A (p.Phe294Ile)

Gene: AKAP9 (A-kinase anchoring protein 9; plus strand). Cytogenetic location: 7q21.2.
Variant type: single nucleotide variant.
Coding change: c.880T>A on transcript NM_005751.5 (MANE Select); coding-DNA position 880, T replaced by A.
Protein change: p.Phe294Ile; replaces phenylalanine 294 with isoleucine.
Molecular consequence: missense variant.
Genome position (GRCh38, 1-based): chr7:91,995,750, T>A. VCF-style: chr7-91995750-T-A. GRCh37 (hg19) VCF-style: chr7-91625064-T-A.
Other names: c.880T>A, p.Phe294Ile (NM_147185.3); short protein forms F294I.
Identifiers: ClinVar variation 2718388 (VCV002718388.3), dbSNP rs755367137, ClinGen allele CA368120442.